The following is an entry in ClinVar:

NM_005068.3(SIM1):c.1636G>A (p.Gly546Ser)

Gene: SIM1 (SIM bHLH transcription factor 1; minus strand). Cytogenetic location: 6q16.3.
Variant type: single nucleotide variant.
Coding change: c.1636G>A on transcript NM_005068.3 (MANE Select); coding-DNA position 1636, G replaced by A.
Protein change: p.Gly546Ser; replaces glycine 546 with serine.
Molecular consequence: missense variant.
Genome position (GRCh38, 1-based): chr6:100,391,026, C>T on the plus strand (G>A on the coding strand, the complement: SIM1 is on the minus strand). VCF-style: chr6-100391026-C-T. GRCh37 (hg19) VCF-style: chr6-100838902-C-T.
Other names: c.1636G>A, p.Gly546Ser (NM_001374769.1); short protein forms G546S.
Identifiers: ClinVar variation 4989617 (VCV004989617.1).

ClinVar aggregate classification (germline): Uncertain significance (1 of 4 stars; one submission).

Conditions:
SIM1-related disorder. Also called: SIM1-related disorders; SIM1-related condition.

Submission:

PreventionGenetics, part of Exact Sciences
Classification: Uncertain significance for SIM1-related condition. Last evaluated: 2026-05-08. Review status: criteria provided, single submitter. Criteria: ACMG Guidelines, 2015. Collection method: clinical testing. Allele origin: germline.
Comment: The SIM1 c.1636G>A variant is predicted to result in the amino acid substitution p.Gly546Ser. To our knowledge, this variant has not been reported in the literature. This variant is reported in 0.0029% of alleles in individuals of Latino descent in gnomAD. At this time, the clinical significance of this variant is uncertain due to the absence of conclusive functional and genetic evidence.